The following is an entry in ClinVar:

NM_001005373.4(LRSAM1):c.1715G>A (p.Arg572His)

Gene: LRSAM1 (leucine rich repeat and sterile alpha motif containing 1; plus strand). Cytogenetic location: 9q33.3.
Variant type: single nucleotide variant.
Coding change: c.1715G>A on transcript NM_001005373.4 (MANE Select); coding-DNA position 1715, G replaced by A.
Protein change: p.Arg572His; replaces arginine 572 with histidine.
Molecular consequence: missense variant. On other transcripts: non-coding transcript variant (2).
Genome position (GRCh38, 1-based): chr9:127,495,980, G>A. VCF-style: chr9-127495980-G-A. GRCh37 (hg19) VCF-style: chr9-130258259-G-A.
Other names: c.1715G>A, p.Arg572His (NM_001005374.4, NM_001384142.1, NM_138361.5); c.1634G>A, p.Arg545His (NM_001190723.3); c.1616G>A, p.Arg539His (NM_001384143.1); c.926G>A, p.Arg309His (NM_001384144.1); short protein forms R545H, R572H, R309H, R539H.
Identifiers: ClinVar variation 952130 (VCV000952130.9), dbSNP rs1451403749, ClinGen allele CA374935598.

ClinVar aggregate classification (germline): Uncertain significance (1 of 4 stars; one submission).

Conditions:
Charcot-Marie-Tooth disease axonal type 2P. Also called: CHARCOT-MARIE-TOOTH NEUROPATHY, TYPE 2P; Charcot-Marie-Tooth Neuropathy Type 2G; CHARCOT-MARIE-TOOTH DISEASE, AXONAL, TYPE 2G; CMT 2G. Identifiers: Orphanet 300319, Orphanet 99941, MedGen C3280797, MONDO:0013753, OMIM 614436.

Allele frequency attached by ClinVar (database versions not stated): gnomAD below 0.00001 and 0.00001; gnomAD exomes below 0.00001 and 0.00002.
gnomAD v4.1: 23 of 1,612,516 alleles (0.0014%); highest among the groups gnomAD compares: Middle Eastern, 0.033%; 1 homozygote.

Submission:

Labcorp Genetics (formerly Invitae), Labcorp
Classification: Uncertain significance for Charcot-Marie-Tooth disease axonal type 2P. Last evaluated: 2024-02-23. Review status: criteria provided, single submitter. Criteria: Invitae Variant Classification Sherloc (09022015). Collection method: clinical testing. Allele origin: germline.
Comment: This sequence change replaces arginine, which is basic and polar, with histidine, which is basic and polar, at codon 572 of the LRSAM1 protein (p.Arg572His). The frequency data for this variant in the population databases is considered unreliable, as metrics indicate poor data quality at this position in the gnomAD database. This variant has not been reported in the literature in individuals affected with LRSAM1-related conditions. ClinVar contains an entry for this variant (Variation ID: 952130). Advanced modeling of protein sequence and biophysical properties (such as structural, functional, and spatial information, amino acid conservation, physicochemical variation, residue mobility, and thermodynamic stability) performed at Invitae indicates that this missense variant is not expected to disrupt LRSAM1 protein function with a negative predictive value of 80%. In summary, the available evidence is currently insufficient to determine the role of this variant in disease. Therefore, it has been classified as a Variant of Uncertain Significance.